The following is an entry in ClinVar:

NM_012330.4(KAT6B):c.3246del (p.Glu1083fs)

Gene: KAT6B (lysine acetyltransferase 6B; plus strand). Cytogenetic location: 10q22.2.
Variant type: Deletion.
Coding change: c.3246del on transcript NM_012330.4 (MANE Select); coding-DNA position 3246, one base deleted (A; older notation c.3246delA).
Protein change: p.Glu1083fs; shifts the reading frame from glutamic acid 1083.
Molecular consequence: frameshift variant.
Genome position (GRCh38, 1-based): chr10:75,022,105, A deleted; the last of 2 consecutive A bases (chr10:75,022,104-75,022,105); deleting either gives the same sequence. VCF-style (leftmost placement, unchanged base first): chr10-75022103-GA-G. GRCh37 (hg19) VCF-style: chr10-76781861-GA-G.
Other names: c.2697del, p.Glu900fs (NM_001256468.2, NM_001370138.1); c.2370del, p.Glu791fs (NM_001256469.2, NM_001370139.1, NM_001370140.1 and 2 more transcripts); c.2208del, p.Glu737fs (NM_001370132.1); c.1557del, p.Glu520fs (NM_001370133.1); c.1161del, p.Glu388fs (NM_001370134.1); c.903del, p.Glu302fs (NM_001370135.1); c.3246del, p.Glu1083fs (NM_001370136.1, NM_001370137.1); c.2181del, p.Glu728fs (NM_001370143.1, NM_001370144.1); short protein forms E1083fs, E737fs, E791fs, E302fs, E728fs, E900fs, E388fs, E520fs.
Identifiers: ClinVar variation 2585392 (VCV002585392.1), dbSNP rs2549170103, ClinGen allele CA2582342682.

ClinVar aggregate classification (germline): Likely pathogenic (1 of 4 stars; one submission).

Conditions:
Blepharophimosis - intellectual disability syndrome, SBBYS type (SBBYSS). Also called: Say-Barber-Biesecker-Young-Simpson variant of Ohdo Syndrome; Say-Barber-Biesecker Variant of Ohdo Syndrome; Ohdo syndrome, SBBYS variant; SBBYSS syndrome; Say-Barber-Biesecker-Young-Simpson syndrome; Say-Barber-Biesecker variant of Ohdo syndrome (SBBYSS). Identifiers: Orphanet 3047, MedGen C1863557, MONDO:0011365, OMIM 603736.

Submission:

Neuberg Centre For Genomic Medicine, NCGM
Classification: Likely pathogenic for Blepharophimosis - intellectual disability syndrome, SBBYS type. Review status: criteria provided, single submitter. Criteria: ACMG Guidelines, 2015. Collection method: clinical testing. Allele origin: germline. Inheritance: Autosomal dominant inheritance. Affected: yes.
Comment: The frame shift variant c.3246del (p.Glu1083ArgfsTer31) has not been reported previously as a pathogenic variant nor as a benign variant, to our knowledge. The p.Glu1083ArgfsTer31 variant is novel (not in any individuals) in gnomAD Exomes and is novel (not in any individuals) in 1000 Genomes. This variant causes a frameshift starting with codon Glutamic Acid 1083, changes this amino acid to Arginine residue, and creates a premature Stop codon at position 31 of the new reading frame, denoted p.Glu1083ArgfsTer31. This variant is predicted to cause loss of normal protein function through protein truncation. Loss of function variants have been previously reported to be disease causing. For these reasons, this variant has been classified as Likely Pathogenic.